The following is an entry in ClinVar:

NM_005219.5(DIAPH1):c.2965G>A (p.Ala989Thr)

Gene: DIAPH1 (diaphanous related formin 1; minus strand). Cytogenetic location: 5q31.3.
Variant type: single nucleotide variant.
Coding change: c.2965G>A on transcript NM_005219.5 (MANE Select); coding-DNA position 2965, G replaced by A.
Protein change: p.Ala989Thr; replaces alanine 989 with threonine.
Molecular consequence: missense variant.
Genome position (GRCh38, 1-based): chr5:141,528,755, C>T on the plus strand (G>A on the coding strand, the complement: DIAPH1 is on the minus strand). VCF-style: chr5-141528755-C-T. GRCh37 (hg19) VCF-style: chr5-140908322-C-T.
Other names: c.2965G>A (NM_005219.4); c.2938G>A, p.Ala980Thr (NM_001079812.3); c.2965G>A, p.Ala989Thr (NM_001314007.2); short protein forms A980T, A989T.
Identifiers: ClinVar variation 2158379 (VCV002158379.6), dbSNP rs2099887763, ClinGen allele CA361584075.

ClinVar aggregate classification (germline): Uncertain significance. Review status: criteria provided, multiple submitters, no conflicts (2 of 4 stars). 3 submissions from 3 submitters: Uncertain significance (3). Last evaluated 2026-05-30.

Conditions:
Autosomal dominant nonsyndromic hearing loss 1. Also called: KONIGSMARK SYNDROME; DEAFNESS, AUTOSOMAL DOMINANT 1, WITH OR WITHOUT THROMBOCYTOPENIA. Identifiers: Orphanet 90635, MedGen C1852282, MONDO:0007424, OMIM 124900.
Progressive microcephaly-seizures-cortical blindness-developmental delay syndrome. Also called: Seizures, cortical blindness, and microcephaly syndrome. Identifiers: Orphanet 477814, MedGen C5567650, MONDO:0014714, OMIM 616632.
DIAPH1-related disorder. Also called: DIAPH1-related condition.
Inborn genetic diseases. Identifiers: MedGen C0950123, MeSH D030342.

Submissions (3):

PreventionGenetics, part of Exact Sciences
Classification: Uncertain significance for DIAPH1-related condition. Last evaluated: 2026-05-30. Review status: criteria provided, single submitter. Criteria: ACMG Guidelines, 2015. Collection method: clinical testing. Allele origin: germline.
Comment: The DIAPH1 c.2965G>A variant is predicted to result in the amino acid substitution p.Ala989Thr. To our knowledge, this variant has not been reported in the literature or in a large population database (gnomAD), indicating this variant is rare. At this time, the clinical significance of this variant is uncertain due to the absence of conclusive functional and genetic evidence.

Labcorp Genetics (formerly Invitae), Labcorp
Classification: Uncertain significance for Progressive microcephaly-seizures-cortical blindness-developmental delay syndrome; Autosomal dominant nonsyndromic hearing loss 1. Last evaluated: 2025-07-09. Review status: criteria provided, single submitter. Criteria: Invitae Variant Classification Sherloc (09022015). Collection method: clinical testing. Allele origin: germline.
Comment: This sequence change replaces alanine, which is neutral and non-polar, with threonine, which is neutral and polar, at codon 989 of the DIAPH1 protein (p.Ala989Thr). This variant is not present in population databases (gnomAD no frequency). This variant has not been reported in the literature in individuals affected with DIAPH1-related conditions. ClinVar contains an entry for this variant (Variation ID: 2158379). An algorithm developed to predict the effect of missense changes on protein structure and function (PolyPhen-2) suggests that this variant is likely to be tolerated. In summary, the available evidence is currently insufficient to determine the role of this variant in disease. Therefore, it has been classified as a Variant of Uncertain Significance.

Ambry Genetics
Classification: Uncertain significance for Inborn genetic diseases. Last evaluated: 2024-08-28. Review status: criteria provided, single submitter. Criteria: Ambry Variant Classification Scheme 2023. Collection method: clinical testing. Allele origin: germline.